The following is an entry in ClinVar:

ClinVar aggregate classification (germline): Conflicting classifications of pathogenicity. Review status: criteria provided, conflicting classifications (1 of 4 stars). 12 submissions from 12 submitters: Uncertain significance (6); Likely benign (3). 3 of the submissions do not count toward it. Last evaluated 2026-02-01.

Conditions:
Aspartylglucosaminuria (AGU). Also called: Aspartylglucos-aminuria; Aspartylglucos-amidase (AGA) deficiency; AGA DEFICIENCY; GLYCOASPARAGINASE; GLYCOSYLASPARAGINASE DEFICIENCY. Identifiers: Orphanet 93, MedGen C0268225, MONDO:0008830, OMIM 208400, HP:0012068.
Intellectual disability. Also called: Intellectual functioning disability; intellectual disabilities; Intellectual developmental disorder. Identifiers: MedGen C3714756, MeSH D008607, MONDO:0001071, HP:0001249.

Allele frequency attached by ClinVar (database versions not stated): ExAC 0.00094; gnomAD exomes 0.00101; 1000 Genomes Project 30x 0.00125; 1000 Genomes Project 0.00140; gnomAD 0.00177 and 0.00188; TOPMed 0.00234; ESP Exome Variant Server 0.00277.
gnomAD v4.1: 1,363 of 1,610,472 alleles (0.085%); highest among the groups gnomAD compares: Middle Eastern, 0.46%; 4 homozygotes.

Submissions (12):

Labcorp Genetics (formerly Invitae), Labcorp
Classification: Likely benign for Aspartylglucosaminuria. Last evaluated: 2026-02-01. Review status: criteria provided, single submitter. Criteria: Invitae Variant Classification Sherloc (09022015). Collection method: clinical testing. Allele origin: germline.

Blueprint Genetics
Classification: Likely benign. Last evaluated: 2024-11-14. Review status: criteria provided, single submitter. Criteria: ACMG Guidelines, 2015. Collection method: clinical testing. Allele origin: germline.

Genome-Nilou Lab
Classification: Uncertain significance for Aspartylglucosaminuria. Last evaluated: 2021-05-18. Review status: criteria provided, single submitter. Criteria: ACMG Guidelines, 2015. Collection method: clinical testing. Allele origin: germline. Affected: no.

GeneDx
Classification: Likely benign. Last evaluated: 2020-02-06. Review status: criteria provided, single submitter. Criteria: GeneDx Variant Classification Process June 2021. Collection method: clinical testing. Allele origin: germline. Affected: yes.
Comment: In silico analysis supports that this missense variant has a deleterious effect on protein structure/function; This variant is associated with the following publications: (PMID: 30548430)

Genomic Research Center, Shahid Beheshti University of Medical Sciences
Classification: Uncertain significance for Aspartylglucosaminuria. Last evaluated: 2019-04-27. Review status: criteria provided, single submitter. Criteria: ACMG Guidelines, 2015. Collection method: clinical testing. Allele origin: unknown. Affected: no.

Illumina Laboratory Services, Illumina
Classification: Uncertain significance for Aspartylglucosaminuria. Last evaluated: 2018-01-13. Review status: criteria provided, single submitter. Criteria: ICSL Variant Classification Criteria 13 December 2019. Collection method: clinical testing. Allele origin: germline.

Mayo Clinic Laboratories, Mayo Clinic
Classification: Uncertain significance for Aspartylglucosaminuria. Last evaluated: 2017-09-21. Review status: criteria provided, single submitter. Criteria: ACMG Guidelines, 2015. Collection method: clinical testing. Allele origin: paternal.

Eurofins Ntd Llc (ga)
Classification: Uncertain significance. Last evaluated: 2017-08-29. Review status: criteria provided, single submitter. Criteria: EGL Classification Definitions 2015. Collection method: clinical testing. Allele origin: germline. Observed: 1 variant allele, 1 heterozygote.

Institute of Human Genetics, University of Leipzig Medical Center
Classification: Uncertain significance for Aspartylglucosaminuria. Last evaluated: 2016-12-16. Review status: criteria provided, single submitter. Criteria: ACMG Guidelines, 2015. Collection method: clinical testing. Allele origin: germline. Affected: yes. Observed: 1 variant allele.

Centre de Biologie Pathologie Génétique, Centre Hospitalier Universitaire de Lille
Classification: Uncertain significance for Intellectual disability. Last evaluated: 2019-01-01. Review status: no assertion criteria provided. Collection method: clinical testing. Allele origin: unknown. Affected: yes. Not counted in ClinVar's aggregate classification.

Clinical Genetics DNA and cytogenetics Diagnostics Lab, Erasmus MC, Erasmus Medical Center
Classification: Uncertain significance. Review status: no assertion criteria provided. Collection method: clinical testing. Allele origin: germline. Affected: yes. Study: VKGL Data-share Consensus. Not counted in ClinVar's aggregate classification.

Laboratory of Diagnostic Genome Analysis, Leiden University Medical Center (LUMC)
Classification: Uncertain significance. Review status: no assertion criteria provided. Collection method: clinical testing. Allele origin: germline. Affected: yes. Study: VKGL Data-share Consensus. Not counted in ClinVar's aggregate classification.

NM_000027.4(AGA):c.436T>G (p.Leu146Val)

Gene: AGA (aspartylglucosaminidase; minus strand). Cytogenetic location: 4q34.3.
Variant type: single nucleotide variant.
Coding change: c.436T>G on transcript NM_000027.4 (MANE Select); coding-DNA position 436, T replaced by G.
Protein change: p.Leu146Val; replaces leucine 146 with valine.
Molecular consequence: missense variant. On other transcripts: non-coding transcript variant (1).
Genome position (GRCh38, 1-based): chr4:177,438,816, A>C on the plus strand (T>G on the coding strand, the complement: AGA is on the minus strand). VCF-style: chr4-177438816-A-C. GRCh37 (hg19) VCF-style: chr4-178359970-A-C.
Other names: c.436T>G, p.Leu146Val (NM_001171988.2); short protein forms L146V.
Identifiers: ClinVar variation 427059 (VCV000427059.33), dbSNP rs146381591, ClinGen allele CA3146914.